The following is an entry in ClinVar:

ClinVar aggregate classification (germline): Uncertain significance (1 of 4 stars; one submission).

Submission:

Labcorp Genetics (formerly Invitae), Labcorp
Classification: Uncertain significance. Last evaluated: 2025-02-20. Review status: criteria provided, single submitter. Criteria: Invitae Variant Classification Sherloc (09022015). Collection method: clinical testing. Allele origin: germline.
Comment: This sequence change replaces threonine, which is neutral and polar, with serine, which is neutral and polar, at codon 419 of the NFKB1 protein (p.Thr419Ser). This variant is not present in population databases (gnomAD no frequency). This variant has not been reported in the literature in individuals affected with NFKB1-related conditions. Invitae Evidence Modeling of protein sequence and biophysical properties (such as structural, functional, and spatial information, amino acid conservation, physicochemical variation, residue mobility, and thermodynamic stability) indicates that this missense variant is not expected to disrupt NFKB1 protein function with a negative predictive value of 80%. In summary, the available evidence is currently insufficient to determine the role of this variant in disease. Therefore, it has been classified as a Variant of Uncertain Significance.

NM_003998.4(NFKB1):c.1256C>G (p.Thr419Ser)

Gene: NFKB1 (nuclear factor kappa B subunit 1; plus strand). Cytogenetic location: 4q24.
Variant type: single nucleotide variant.
Coding change: c.1256C>G on transcript NM_003998.4 (MANE Select); coding-DNA position 1256, C replaced by G.
Protein change: p.Thr419Ser; replaces threonine 419 with serine.
Molecular consequence: missense variant.
Genome position (GRCh38, 1-based): chr4:102,594,937, C>G. VCF-style: chr4-102594937-C-G. GRCh37 (hg19) VCF-style: chr4-103516094-C-G.
Other names: c.1253C>G, p.Thr418Ser (NM_001165412.2, NM_001319226.2, NM_001382627.1); c.1256C>G, p.Thr419Ser (NM_001382625.1, NM_001382626.1); c.1214C>G, p.Thr405Ser (NM_001382628.1); short protein forms T405S, T418S, T419S.
Identifiers: ClinVar variation 3674893 (VCV003674893.2).
Genomic context (GRCh38, chr4:102,594,937, plus strand): 5'-TACTTGCCGTTTCAGGGTATAGCTTCCCACACTATGGATTTCCTACTTATGGTGGGATTA[C>G]TTTCCATCCTGGAACTACTAAATCTAATGCTGGGATGAAGCATGGTAAGTAATGCTTTGT-3'
Protein context (NP_003989.2, residues 409-429): HYGFPTYGGI[Thr419Ser]FHPGTTKSNA